The following is an entry in ClinVar:

NM_021224.6(ZNF462):c.1052C>G (p.Pro351Arg)

Gene: ZNF462 (zinc finger protein 462; plus strand). Cytogenetic location: 9q31.2.
Variant type: single nucleotide variant.
Coding change: c.1052C>G on transcript NM_021224.6 (MANE Select); coding-DNA position 1052, C replaced by G.
Protein change: p.Pro351Arg; replaces proline 351 with arginine.
Molecular consequence: missense variant.
Genome position (GRCh38, 1-based): chr9:106,924,964, C>G. VCF-style: chr9-106924964-C-G. GRCh37 (hg19) VCF-style: chr9-109687245-C-G.
Other names: c.1052C>G, p.Pro351Arg (NM_001347997.2); short protein forms P351R.
Identifiers: ClinVar variation 1801864 (VCV001801864.1), dbSNP rs2538727019, ClinGen allele CA374383714.

ClinVar aggregate classification (germline): Uncertain significance (1 of 4 stars; one submission).

Submission:

GeneDx
Classification: Uncertain significance. Last evaluated: 2022-06-03. Review status: criteria provided, single submitter. Criteria: GeneDx Variant Classification Process June 2021. Collection method: clinical testing. Allele origin: germline. Affected: yes.
Comment: Not observed at significant frequency in large population cohorts (gnomAD); In silico analysis supports that this missense variant does not alter protein structure/function; Has not been previously published as pathogenic or benign to our knowledge